The following is an entry in ClinVar:

ClinVar aggregate classification (germline): Conflicting classifications of pathogenicity. Review status: criteria provided, conflicting classifications (1 of 4 stars). 11 submissions from 11 submitters: Uncertain significance (10); Likely benign (1). Last evaluated 2026-04-20.

Conditions:
Cardiovascular phenotype. Identifiers: MedGen CN230736.
TTN-related disorder. Also called: TTN-related disorders; TTN-related condition; TTN-related disease.
Dilated cardiomyopathy 1G (CMD1G). Identifiers: Orphanet 154, MedGen C1858763, MONDO:0011400, OMIM 604145.
Autosomal recessive limb-girdle muscular dystrophy type 2J (LGMDR10). Also called: Limb-girdle muscular dystrophy, type 2J; MUSCULAR DYSTROPHY, LIMB-GIRDLE, AUTOSOMAL RECESSIVE 10. Identifiers: Orphanet 140922, MedGen C1837342, MONDO:0012127, OMIM 608807.
Cardiomyopathy (CMYO). Also called: Cardiomyopathies. Identifiers: Orphanet 167848, MedGen C0878544, MONDO:0004994, HP:0001638. Inheritance: Various modes of inheritance.

Allele frequency attached by ClinVar (database versions not stated): TOPMed 0.00002; gnomAD 0.00003.
gnomAD v4.1: 65 of 1,613,724 alleles (0.004%); highest among the groups gnomAD compares: Middle Eastern, 0.049%; no homozygotes.

Submissions (11):

Women's Health and Genetics/Laboratory Corporation of America, LabCorp
Classification: Uncertain significance. Last evaluated: 2026-04-20. Review status: criteria provided, single submitter. Criteria: LabCorp Variant Classification Summary - May 2015. Collection method: clinical testing. Allele origin: germline.
Comment: Variant summary: TTN c.3913G>T (p.Gly1305Trp) results in a non-conservative amino acid change in the encoded protein sequence. Algorithms developed to predict the effect of missense changes on protein structure and function all suggest that this variant is likely to be disruptive. The variant allele was found at a frequency of 6.4e-05 in 250082 control chromosomes. This frequency is not significantly higher than estimated for disease-causing variants in TTN, allowing no conclusion about variant significance. c.3913G>T has been reported in the literature in at least one individual affected with familial atrial fibrillation (Maltese_2019). This report does not provide unequivocal conclusions about association of the variant with TTN-related conditions. To our knowledge, no experimental evidence demonstrating an impact on protein function has been reported. The following publication has been ascertained in the context of this evaluation (PMID: 31539150). ClinVar contains an entry for this variant (Variation ID: 166323). Based on the evidence outlined above, the variant was classified as uncertain significance.

PreventionGenetics, part of Exact Sciences
Classification: Uncertain significance for TTN-related condition. Last evaluated: 2024-12-11. Review status: criteria provided, single submitter. Criteria: ACMG Guidelines, 2015. Collection method: clinical testing. Allele origin: germline.
Comment: The TTN c.3913G>T variant is predicted to result in the amino acid substitution p.Gly1305Trp. This variant has been reported as a variant of uncertain significance in an individual with familial atrial fibrillation (Maltese et al. 2019. PubMed ID: 31539150). This variant is reported in 0.0094% of alleles in individuals of European (Non-Finnish) descent in gnomAD. At this time, the clinical significance of this variant is uncertain due to the absence of conclusive functional and genetic evidence.

CeGaT Center for Human Genetics Tuebingen
Classification: Uncertain significance. Last evaluated: 2022-06-01. Review status: criteria provided, single submitter. Criteria: CeGaT Center For Human Genetics Tuebingen Variant Classification Criteria Version 2. Collection method: clinical testing. Allele origin: germline. Affected: yes. Observed: 1 variant allele.

Mayo Clinic Laboratories, Mayo Clinic
Classification: Uncertain significance. Last evaluated: 2022-02-10. Review status: criteria provided, single submitter. Criteria: ACMG Guidelines, 2015. Collection method: clinical testing. Allele origin: germline. Observed: 1 variant allele.
Comment: PP3

Revvity Omics, Revvity
Classification: Uncertain significance. Last evaluated: 2020-09-14. Review status: criteria provided, single submitter. Criteria: ACMG Guidelines, 2015. Collection method: clinical testing. Allele origin: germline.

Ambry Genetics
Classification: Uncertain significance for Cardiovascular phenotype. Last evaluated: 2020-05-29. Review status: criteria provided, single submitter. Criteria: Ambry Variant Classification Scheme 2023. Collection method: clinical testing. Allele origin: germline.
Comment: The p.G1259W variant (also known as c.3775G>T), located in coding exon 21 of the TTN gene, results from a G to T substitution at nucleotide position 3775. The glycine at codon 1259 is replaced by tryptophan, an amino acid with highly dissimilar properties. This amino acid position is highly conserved in available vertebrate species. In addition, this alteration is predicted to be deleterious by in silico analysis. Since supporting evidence is limited at this time, the clinical significance of this alteration remains unclear.

GeneDx
Classification: Likely benign. Last evaluated: 2019-07-22. Review status: criteria provided, single submitter. Criteria: GeneDx Variant Classification Process June 2021. Collection method: clinical testing. Allele origin: germline. Affected: yes.

Labcorp Genetics (formerly Invitae), Labcorp
Classification: Uncertain significance for Dilated cardiomyopathy 1G; Autosomal recessive limb-girdle muscular dystrophy type 2J. Last evaluated: 2018-01-03. Review status: criteria provided, single submitter. Criteria: Invitae Variant Classification Sherloc (09022015). Collection method: clinical testing. Allele origin: germline.

Eurofins Ntd Llc (ga)
Classification: Uncertain significance. Last evaluated: 2016-10-19. Review status: criteria provided, single submitter. Criteria: EGL Classification Definitions 2015. Collection method: clinical testing. Allele origin: germline. Observed: 3 variant alleles, 3 heterozygotes.

CHEO Genetics Diagnostic Laboratory, Children's Hospital of Eastern Ontario
Classification: Uncertain significance for Cardiomyopathy. Last evaluated: 2016-07-21. Review status: criteria provided, single submitter. Criteria: ACMG Guidelines, 2015. Collection method: clinical testing. Allele origin: germline. Study: Canadian Open Genetics Repository.

Laboratory for Molecular Medicine, Mass General Brigham Personalized Medicine
Classification: Uncertain significance. Last evaluated: 2013-11-11. Review status: criteria provided, single submitter. Criteria: LMM Criteria. Collection method: clinical testing. Allele origin: germline. Observed: 1 variant allele.
Comment: The Gly1305Trp variant in TTN has not been previously reported in individuals wi th cardiomyopathy or in large population studies. Computational analyses (bioche mical amino acid properties, conservation, AlignGVGD, PolyPhen2, and SIFT) sugge st that the Gly1305Trp variant may impact the protein, though this information i s not predictive enough to determine pathogenicity. Additional information is ne eded to fully assess the clinical significance of the Gly1305Trp variant

Literature cited by the submitters: PubMed 31539150 (cited by Women's Health and Genetics/Laboratory Corporation of America, LabCorp and Mayo Clinic Laboratories, Mayo Clinic).

NM_001267550.2(TTN):c.3913G>T (p.Gly1305Trp)

Genes: TTN (titin; minus strand), LOC101927055 (uncharacterized LOC101927055; plus strand). Cytogenetic location: 2q31.2.
Variant type: single nucleotide variant.
Coding change: c.3913G>T on transcript NM_001267550.2 (MANE Select); coding-DNA position 3913, G replaced by T.
Protein change: p.Gly1305Trp; replaces glycine 1305 with tryptophan.
Molecular consequence: missense variant.
Genome position (GRCh38, 1-based): chr2:178,779,279, C>A on the plus strand (G>T on the coding strand, the complement: TTN is on the minus strand). VCF-style: chr2-178779279-C-A. GRCh37 (hg19) VCF-style: chr2-179644006-C-A.
Other names: c.3775G>T, p.Gly1259Trp (NM_003319.4, NM_133432.3, NM_133437.4); c.3913G>T, p.Gly1305Trp (NM_133379.5, NM_001256850.1, NM_133378.4); short protein forms G1305W, G1259W.
Identifiers: ClinVar variation 166323 (VCV000166323.50), dbSNP rs199889888, ClinGen allele CA179339.